The following is an entry in ClinVar:

ClinVar aggregate classification (germline): Uncertain significance (0 of 4 stars; one submission).

Conditions:
WNK2-related condition.

Submission:

PreventionGenetics, part of Exact Sciences
Classification: Uncertain significance for WNK2-related condition. Last evaluated: 2024-05-31. Review status: no assertion criteria provided. Collection method: clinical testing. Allele origin: germline.
Comment: The WNK2 c.5443G>T variant is predicted to result in the amino acid substitution p.Ala1815Ser. To our knowledge, this variant has not been reported in the literature or in gnomAD, indicating this variant is rare. At this time, the clinical significance of this variant is uncertain due to the absence of conclusive functional and genetic evidence.

NM_006648.4(WNK2):c.5332G>T (p.Ala1778Ser)

Gene: WNK2 (WNK lysine deficient protein kinase 2; plus strand). Cytogenetic location: 9q22.31.
Variant type: single nucleotide variant.
Coding change: c.5332G>T on transcript NM_006648.4 (MANE Select); coding-DNA position 5332, G replaced by T.
Protein change: p.Ala1778Ser; replaces alanine 1778 with serine.
Molecular consequence: missense variant.
Genome position (GRCh38, 1-based): chr9:93,292,797, G>T. VCF-style: chr9-93292797-G-T. GRCh37 (hg19) VCF-style: chr9-96055079-G-T.
Other names: c.5443G>T, p.Ala1815Ser (NM_001282394.3); short protein forms A1778S, A1815S.
Identifiers: ClinVar variation 3344456 (VCV003344456.1).